The following is an entry in ClinVar:

NM_000138.5(FBN1):c.6740-2del

Gene: FBN1 (fibrillin 1; minus strand). Cytogenetic location: 15q21.1.
Variant type: Deletion.
Coding change: c.6740-2del on transcript NM_000138.5 (MANE Select); the canonical splice acceptor site of the intron before coding-DNA position 6740, one base deleted (A; older notation c.6740-2delA).
Molecular consequence: splice acceptor variant.
Genome position (GRCh38, 1-based): chr15:48,430,804, T deleted on the plus strand (A on the coding strand, the reverse complement: FBN1 is on the minus strand). VCF-style (leftmost placement, unchanged base first): chr15-48430803-CT-C. GRCh37 (hg19) VCF-style: chr15-48723000-CT-C.
Other names: c.6740-2del (NM_001406716.1).
Identifiers: ClinVar variation 549363 (VCV000549363.27), dbSNP rs1555394783, ClinGen allele CA658824931.

ClinVar aggregate classification (germline): Pathogenic/Likely pathogenic. Review status: criteria provided, multiple submitters, no conflicts (2 of 4 stars). 4 submissions from 4 submitters: Pathogenic (1); Likely pathogenic (2). 1 of the submissions does not count toward it. Last evaluated 2021-03-01.

Conditions:
Familial thoracic aortic aneurysm and aortic dissection (TAAD). Also called: Thoracic aortic aneurysms and dissections. Identifiers: Orphanet 91387, MedGen C4707243, MONDO:0019625.
Marfan syndrome (MFS). Also called: Marfan syndrome type 1; Marfan syndrome, classic; Marfan's syndrome; FBN1-Related Marfan Syndrome; MARFAN SYNDROME, TYPE I. Identifiers: Orphanet 284963, Orphanet 558, MedGen C0024796, MONDO:0007947, OMIM 154700.

Submissions (4):

Centre of Medical Genetics, University of Antwerp
Classification: Likely pathogenic for Marfan syndrome. Last evaluated: 2021-03-01. Review status: criteria provided, single submitter. Criteria: Submitter's publication. Collection method: research. Allele origin: unknown. Affected: yes.
Comment: PM2, PS7, PP4

Labcorp Genetics (formerly Invitae), Labcorp
Classification: Pathogenic for Marfan syndrome; Familial thoracic aortic aneurysm and aortic dissection. Last evaluated: 2020-12-10. Review status: criteria provided, single submitter. Criteria: Invitae Variant Classification Sherloc (09022015). Collection method: clinical testing. Allele origin: germline.
Comment: For these reasons, this variant has been classified as Pathogenic. This variant has been observed in individual(s) with Marfan syndrome (PMID: 19293843). In at least one individual the variant was observed to be de novo. ClinVar contains an entry for this variant (Variation ID: 549363). This variant is not present in population databases (ExAC no frequency). This sequence change affects an acceptor splice site in intron 55 of the FBN1 gene. It is expected to disrupt RNA splicing. Variants that disrupt the donor or acceptor splice site typically lead to a loss of protein function (PMID: 16199547), and loss-of-function variants in FBN1 are known to be pathogenic (PMID: 17657824, 19293843).

CHEO Genetics Diagnostic Laboratory, Children's Hospital of Eastern Ontario
Classification: Likely pathogenic for Familial thoracic aortic aneurysm and aortic dissection. Last evaluated: 2017-11-08. Review status: criteria provided, single submitter. Criteria: ACMG Guidelines, 2015. Collection method: clinical testing. Allele origin: germline.

Center for Medical Genetics Ghent, University of Ghent
Classification: Likely pathogenic for Marfan syndrome. Last evaluated: 2017-11-07. Review status: no assertion criteria provided. Collection method: clinical testing. Allele origin: germline. Affected: yes. Not counted in ClinVar's aggregate classification.

Literature cited by the submitters: PubMed 19293843 (cited by Labcorp Genetics (formerly Invitae), Labcorp); PubMed 16199547 (cited by Labcorp Genetics (formerly Invitae), Labcorp); PubMed 17657824 (cited by Labcorp Genetics (formerly Invitae), Labcorp).